The following is an entry in ClinVar:

NM_032243.6(TXNDC2):c.876C>T (p.Ile292=)

Gene: TXNDC2 (thioredoxin domain containing 2; plus strand). Cytogenetic location: 18p11.22.
Variant type: single nucleotide variant.
Coding change: c.876C>T on transcript NM_032243.6 (MANE Select); coding-DNA position 876, C replaced by T.
Protein change: p.Ile292=; no amino-acid change (isoleucine 292 retained).
Molecular consequence: synonymous variant.
Genome position (GRCh38, 1-based): chr18:9,887,556, C>T. VCF-style: chr18-9887556-C-T. GRCh37 (hg19) VCF-style: chr18-9887553-C-T.
Other names: c.1077C>T, p.Ile359= (NM_001098529.2); c.876C>T, p.Ile292= (NM_001098530.1).
Identifiers: ClinVar variation 2648573 (VCV002648573.24), dbSNP rs753150992, ClinGen allele CA8890442.

ClinVar aggregate classification (germline): Likely benign (1 of 4 stars; one submission).

Allele frequency attached by ClinVar (database versions not stated): ExAC 0.00004; gnomAD exomes 0.00004; gnomAD 0.00007.
gnomAD v4.1: 66 of 1,590,858 alleles (0.0041%); highest among the groups gnomAD compares: Non-Finnish European, 0.0052%; no homozygotes.

Submission:

CeGaT Center for Human Genetics Tuebingen
Classification: Likely benign. Last evaluated: 2022-08-01. Review status: criteria provided, single submitter. Criteria: CeGaT Center For Human Genetics Tuebingen Variant Classification Criteria Version 2. Collection method: clinical testing. Allele origin: germline. Affected: yes. Observed: 1 variant allele.
Comment: TXNDC2: BP4, BP7